The following is an entry in ClinVar:

ClinVar aggregate classification (germline): Pathogenic (1 of 4 stars; one submission).

Submission:

Labcorp Genetics (formerly Invitae), Labcorp
Classification: Pathogenic. Last evaluated: 2023-02-24. Review status: criteria provided, single submitter. Criteria: Invitae Variant Classification Sherloc (09022015). Collection method: clinical testing. Allele origin: germline.
Comment: For these reasons, this variant has been classified as Pathogenic. Algorithms developed to predict the effect of sequence changes on RNA splicing suggest that this variant may create or strengthen a splice site. This variant has not been reported in the literature in individuals affected with EPRS-related conditions. This variant is not present in population databases (gnomAD no frequency). This sequence change creates a premature translational stop signal (p.Trp1353*) in the EPRS gene. It is expected to result in an absent or disrupted protein product. Loss-of-function variants in EPRS are known to be pathogenic (PMID: 29576217).

Literature cited by the submitters: PubMed 29576217.

NM_004446.3(EPRS1):c.4058G>A (p.Trp1353Ter)

Gene: EPRS1 (glutamyl-prolyl-tRNA synthetase 1; minus strand). Cytogenetic location: 1q41.
Variant type: single nucleotide variant.
Coding change: c.4058G>A on transcript NM_004446.3 (MANE Select); coding-DNA position 4058, G replaced by A.
Protein change: p.Trp1353Ter; replaces tryptophan 1353 with a stop codon.
Molecular consequence: nonsense.
Genome position (GRCh38, 1-based): chr1:219,978,571, C>T on the plus strand (G>A on the coding strand, the complement: EPRS1 is on the minus strand). VCF-style: chr1-219978571-C-T. GRCh37 (hg19) VCF-style: chr1-220151913-C-T.
Other names: short protein forms W1353*.
Identifiers: ClinVar variation 2818126 (VCV002818126.3), dbSNP rs2527959424, ClinGen allele CA344629733.